The following is an entry in ClinVar:

ClinVar aggregate classification (germline): Uncertain significance (1 of 4 stars; one submission).

Submission:

Ambry Genetics
Classification: Uncertain significance. Last evaluated: 2022-10-27. Review status: criteria provided, single submitter. Criteria: Ambry Variant Classification Scheme 2023. Collection method: clinical testing. Allele origin: germline.
Comment: The p.L485F variant (also known as c.1453C>T), located in coding exon 3 of the ALPK2 gene, results from a C to T substitution at nucleotide position 1453. The leucine at codon 485 is replaced by phenylalanine, an amino acid with highly similar properties. This amino acid position is conserved. In addition, this alteration is predicted to be tolerated by in silico analysis. Since supporting evidence is limited at this time, the clinical significance of this alteration remains unclear.

NM_052947.4(ALPK2):c.1453C>T (p.Leu485Phe)

Gene: ALPK2 (alpha kinase 2; minus strand). Cytogenetic location: 18q21.31.
Variant type: single nucleotide variant.
Coding change: c.1453C>T on transcript NM_052947.4 (MANE Select); coding-DNA position 1453, C replaced by T.
Protein change: p.Leu485Phe; replaces leucine 485 with phenylalanine.
Molecular consequence: missense variant.
Genome position (GRCh38, 1-based): chr18:58,579,323, G>A on the plus strand (C>T on the coding strand, the complement: ALPK2 is on the minus strand). VCF-style: chr18-58579323-G-A. GRCh37 (hg19) VCF-style: chr18-56246555-G-A.
Other names: short protein forms L485F.
Identifiers: ClinVar variation 1772999 (VCV001772999.2), dbSNP rs778710617, ClinGen allele CA402562916.